The following is an entry in ClinVar:

ClinVar aggregate classification (germline): Benign (1 of 4 stars; one submission).

Allele frequency attached by ClinVar (database versions not stated): 1000 Genomes Project 0.01897; gnomAD 0.01962 and 0.02127; 1000 Genomes Project 30x 0.01983; TOPMed 0.02302.
gnomAD v4.1: 3,961 of 542,918 alleles (0.73%); highest among the groups gnomAD compares: African/African-American, 6.8%; 122 homozygotes.

Submission:

GeneDx
Classification: Benign. Last evaluated: 2018-06-14. Review status: criteria provided, single submitter. Criteria: GeneDx Variant Classification (06012015). Collection method: clinical testing. Allele origin: germline. Affected: yes.
Comment: This variant is considered likely benign or benign based on one or more of the following criteria: it is a conservative change, it occurs at a poorly conserved position in the protein, it is predicted to be benign by multiple in silico algorithms, and/or has population frequency not consistent with disease.

NM_001130438.3(SPTAN1):c.4774-223A>G

Gene: SPTAN1 (spectrin alpha, non-erythrocytic 1; plus strand). Cytogenetic location: 9q34.11.
Variant type: single nucleotide variant.
Coding change: c.4774-223A>G on transcript NM_001130438.3 (MANE Select); 223 bases into the intron before coding-DNA position 4774, A replaced by G.
Molecular consequence: intron variant.
Genome position (GRCh38, 1-based): chr9:128,611,491, A>G. VCF-style: chr9-128611491-A-G. GRCh37 (hg19) VCF-style: chr9-131373770-A-G.
Other names: c.4774-223A>G (NM_001363759.2); c.4759-223A>G (NM_003127.4); c.4714-223A>G (NM_001363765.2); c.4699-223A>G (NM_001195532.2).
Identifiers: ClinVar variation 677661 (VCV000677661.1), dbSNP rs77594718, ClinGen allele CA200399659.